The following is an entry in ClinVar:

ClinVar aggregate classification (germline): Uncertain significance (1 of 4 stars; one submission).

Conditions:
Vici syndrome (VICIS). Identifiers: Orphanet 1493, MedGen C1855772, MONDO:0009452, OMIM 242840.

Submission:

Labcorp Genetics (formerly Invitae), Labcorp
Classification: Uncertain significance for Vici syndrome. Last evaluated: 2022-04-20. Review status: criteria provided, single submitter. Criteria: Invitae Variant Classification Sherloc (09022015). Collection method: clinical testing. Allele origin: germline.
Comment: In summary, the available evidence is currently insufficient to determine the role of this variant in disease. Therefore, it has been classified as a Variant of Uncertain Significance. Algorithms developed to predict the effect of missense changes on protein structure and function output the following: SIFT: "Tolerated"; PolyPhen-2: "Benign"; Align-GVGD: "Class C0". The leucine amino acid residue is found in multiple mammalian species, which suggests that this missense change does not adversely affect protein function. This variant has not been reported in the literature in individuals affected with EPG5-related conditions. This variant is not present in population databases (gnomAD no frequency). This sequence change replaces proline, which is neutral and non-polar, with leucine, which is neutral and non-polar, at codon 124 of the EPG5 protein (p.Pro124Leu).

NM_020964.3(EPG5):c.371C>T (p.Pro124Leu)

Gene: EPG5 (ectopic P-granules 5 autophagy tethering factor; minus strand). Cytogenetic location: 18q21.1.
Variant type: single nucleotide variant.
Coding change: c.371C>T on transcript NM_020964.3 (MANE Select); coding-DNA position 371, C replaced by T.
Protein change: p.Pro124Leu; replaces proline 124 with leucine.
Molecular consequence: missense variant.
Genome position (GRCh38, 1-based): chr18:45,955,031, G>A on the plus strand (C>T on the coding strand, the complement: EPG5 is on the minus strand). VCF-style: chr18-45955031-G-A. GRCh37 (hg19) VCF-style: chr18-43534997-G-A.
Other names: c.371C>T, p.Pro124Leu (NM_001410858.1, NM_001410859.1); short protein forms P124L.
Identifiers: ClinVar variation 2111475 (VCV002111475.4), dbSNP rs2512129593, ClinGen allele CA402351871.